The following is an entry in ClinVar:

ClinVar aggregate classification (germline): Uncertain significance (1 of 4 stars; one submission).

Submission:

Labcorp Genetics (formerly Invitae), Labcorp
Classification: Uncertain significance. Last evaluated: 2022-11-04. Review status: criteria provided, single submitter. Criteria: Invitae Variant Classification Sherloc (09022015). Collection method: clinical testing. Allele origin: germline.
Comment: In summary, the available evidence is currently insufficient to determine the role of this variant in disease. Therefore, it has been classified as a Variant of Uncertain Significance. Algorithms developed to predict the effect of missense changes on protein structure and function (SIFT, PolyPhen-2, Align-GVGD) all suggest that this variant is likely to be disruptive. This variant has not been reported in the literature in individuals affected with SFTPC-related conditions. This variant is not present in population databases (gnomAD no frequency). This sequence change replaces isoleucine, which is neutral and non-polar, with threonine, which is neutral and polar, at codon 123 of the SFTPC protein (p.Ile123Thr).

NM_001317778.2(SFTPC):c.368T>C (p.Ile123Thr)

Gene: SFTPC (surfactant protein C; plus strand). Cytogenetic location: 8p21.3.
Variant type: single nucleotide variant.
Coding change: c.368T>C on transcript NM_001317778.2 (MANE Select); coding-DNA position 368, T replaced by C.
Protein change: p.Ile123Thr; replaces isoleucine 123 with threonine.
Molecular consequence: missense variant.
Genome position (GRCh38, 1-based): chr8:22,163,479, T>C. VCF-style: chr8-22163479-T-C. GRCh37 (hg19) VCF-style: chr8-22020992-T-C.
Other names: c.368T>C, p.Ile123Thr (NM_001172357.2, NM_001172410.2, NM_001317780.2 and 8 more transcripts); c.209T>C, p.Ile70Thr (NM_001317779.2, NM_001385660.1); short protein forms I123T, I70T.
Identifiers: ClinVar variation 2811964 (VCV002811964.3), dbSNP rs2538945496, ClinGen allele CA370537727.